The following is an entry in ClinVar:

ClinVar aggregate classification (germline): Conflicting classifications of pathogenicity. Review status: criteria provided, conflicting classifications (1 of 4 stars). 2 submissions from 2 submitters: Uncertain significance (1); Likely benign (1). Last evaluated 2026-02-16.

Conditions:
Beta-D-mannosidosis (MANSB). Also called: MANNOSIDOSIS, BETA A, LYSOSOMAL; BETA-MANNOSIDASE DEFICIENCY; LYSOSOMAL BETA-MANNOSIDASE DEFICIENCY; Beta-Mannosidosis. Identifiers: Orphanet 118, MedGen C4048196, MONDO:0009562, OMIM 248510.
Inborn genetic diseases. Identifiers: MedGen C0950123, MeSH D030342.

gnomAD v4.1: 8 of 1,613,650 alleles (0.0005%); highest among the groups gnomAD compares: African/African-American, 0.0027%; no homozygotes.

Submissions (2):

Centre for Medical Genetics,  Mumbai
Classification: Likely benign for Beta-D-mannosidosis. Last evaluated: 2026-02-16. Review status: criteria provided, single submitter. Criteria: ACMG Guidelines, 2015. Collection method: provider interpretation. Allele origin: germline. Inheritance: Autosomal recessive inheritance. Affected: no. Observed: 1 homozygote.
Comment: The variant satisfies PM2 criteria; Extremely low frequency in gnomAD population databases. The variant satisfies BP4 criteria; For a missense or a splice region variant, computational prediction tools unanimously support a benign effect on the gene. However, the variant satisfies BS2 criteria.

Ambry Genetics
Classification: Uncertain significance for Inborn genetic diseases. Last evaluated: 2025-07-12. Review status: criteria provided, single submitter. Criteria: Ambry Variant Classification Scheme 2023. Collection method: clinical testing. Allele origin: germline.

Literature cited by the submitters: PubMed 2079835 (cited by Centre for Medical Genetics,  Mumbai).

NM_005908.4(MANBA):c.1613G>A (p.Ser538Asn)

Gene: MANBA (mannosidase beta; minus strand). Cytogenetic location: 4q24.
Variant type: single nucleotide variant.
Coding change: c.1613G>A on transcript NM_005908.4 (MANE Select); coding-DNA position 1613, G replaced by A.
Protein change: p.Ser538Asn; replaces serine 538 with asparagine.
Molecular consequence: missense variant.
Genome position (GRCh38, 1-based): chr4:102,657,773, C>T on the plus strand (G>A on the coding strand, the complement: MANBA is on the minus strand). VCF-style: chr4-102657773-C-T. GRCh37 (hg19) VCF-style: chr4-103578930-C-T.
Other names: short protein forms S538N.
Identifiers: ClinVar variation 4102862 (VCV004102862.2).